The following is an entry in ClinVar:

NM_015650.4(TRAF3IP1):c.1957C>G (p.Leu653Val)

Gene: TRAF3IP1 (TRAF3 interacting protein 1; plus strand). Cytogenetic location: 2q37.3.
Variant type: single nucleotide variant.
Coding change: c.1957C>G on transcript NM_015650.4 (MANE Select); coding-DNA position 1957, C replaced by G.
Protein change: p.Leu653Val; replaces leucine 653 with valine.
Molecular consequence: missense variant.
Genome position (GRCh38, 1-based): chr2:238,398,800, C>G. VCF-style: chr2-238398800-C-G. GRCh37 (hg19) VCF-style: chr2-239307441-C-G.
Other names: c.1759C>G, p.Leu587Val (NM_001139490.1); short protein forms L653V, L587V.
Identifiers: ClinVar variation 1390177 (VCV001390177.6), dbSNP rs980559743, ClinGen allele CA67991901.

ClinVar aggregate classification (germline): Uncertain significance (1 of 4 stars; one submission).

Allele frequency attached by ClinVar (database versions not stated): gnomAD exomes below 0.00001; TOPMed 0.00001.
gnomAD v4.1: 2 of 1,612,686 alleles (0.00012%); highest among the groups gnomAD compares: Admixed American, 0.0034%; no homozygotes.

Submission:

Labcorp Genetics (formerly Invitae), Labcorp
Classification: Uncertain significance. Last evaluated: 2022-11-22. Review status: criteria provided, single submitter. Criteria: Invitae Variant Classification Sherloc (09022015). Collection method: clinical testing. Allele origin: germline.
Comment: In summary, the available evidence is currently insufficient to determine the role of this variant in disease. Therefore, it has been classified as a Variant of Uncertain Significance. Advanced modeling of protein sequence and biophysical properties (such as structural, functional, and spatial information, amino acid conservation, physicochemical variation, residue mobility, and thermodynamic stability) has been performed at Invitae for this missense variant, however the output from this modeling did not meet the statistical confidence thresholds required to predict the impact of this variant on TRAF3IP1 protein function. ClinVar contains an entry for this variant (Variation ID: 1390177). This variant has not been reported in the literature in individuals affected with TRAF3IP1-related conditions. This variant is present in population databases (no rsID available, gnomAD 0.006%). This sequence change replaces leucine, which is neutral and non-polar, with valine, which is neutral and non-polar, at codon 653 of the TRAF3IP1 protein (p.Leu653Val).